The following is an entry in ClinVar:

ClinVar aggregate classification (germline): Likely pathogenic (1 of 4 stars; one submission).

Conditions:
Familial hypobetalipoproteinemia 1. Also called: Hypobetalipoproteinemia, normotriglyceridemic; Acanthocytosis with hypobetalipoproteinemia; APOB-Related Familial Hypobetalipoproteinemia. Identifiers: MedGen C4551990, MONDO:0014252, OMIM 615558.

Submission:

Centre for Mendelian Genomics, University Medical Centre Ljubljana
Classification: Likely pathogenic for Familial hypobetalipoproteinemia 1. Last evaluated: 2019-07-10. Review status: criteria provided, single submitter. Criteria: ACMG Guidelines, 2015. Collection method: clinical testing. Allele origin: unknown. Affected: yes.
Comment: This variant was classified as: Likely pathogenic. The following ACMG criteria were applied in classifying this variant: PVS1,PM2.

NM_000384.3(APOB):c.5893G>T (p.Glu1965Ter)

Gene: APOB (apolipoprotein B; minus strand). Cytogenetic location: 2p24.1.
Variant type: single nucleotide variant.
Coding change: c.5893G>T on transcript NM_000384.3 (MANE Select); coding-DNA position 5893, G replaced by T.
Protein change: p.Glu1965Ter; replaces glutamic acid 1965 with a stop codon.
Molecular consequence: nonsense.
Genome position (GRCh38, 1-based): chr2:21,010,975, C>A on the plus strand (G>T on the coding strand, the complement: APOB is on the minus strand). VCF-style: chr2-21010975-C-A. GRCh37 (hg19) VCF-style: chr2-21233847-C-A.
Other names: short protein forms E1965*.
Identifiers: ClinVar variation 930769 (VCV000930769.3), dbSNP rs1663298665, ClinGen allele CA346003751.